The following is an entry in ClinVar:

NM_006031.6(PCNT):c.3291_3292dup (p.Lys1098fs)

Gene: PCNT (pericentrin; plus strand). Cytogenetic location: 21q22.3.
Variant type: Duplication.
Coding change: c.3291_3292dup on transcript NM_006031.6 (MANE Select); coding-DNA positions 3291 to 3292, 2 bases duplicated (GA; older notation c.3291_3292dupGA).
Protein change: p.Lys1098fs; shifts the reading frame from lysine 1098.
Molecular consequence: frameshift variant.
Genome position (GRCh38, 1-based): chr21:46,381,819-46,381,820, GA duplicated; duplicating any 2 consecutive bases within chr21:46,381,818-46,381,820 gives the same sequence; the c. name uses the placement nearest the transcript's 3' end. VCF-style (leftmost placement, unchanged base first): chr21-46381817-A-AAG. GRCh37 (hg19) VCF-style: chr21-47801732-A-AAG.
Other names: c.2937_2938dup, p.Lys980fs (NM_001315529.2); short protein forms K1098fs, K980fs.
Identifiers: ClinVar variation 3350563 (VCV003350563.1).

ClinVar aggregate classification (germline): Pathogenic (0 of 4 stars; one submission).

Conditions:
PCNT-related disorder. Also called: PCNT-related condition.

Submission:

PreventionGenetics, part of Exact Sciences
Classification: Pathogenic for PCNT-related condition. Last evaluated: 2024-09-11. Review status: no assertion criteria provided. Collection method: clinical testing. Allele origin: germline.
Comment: The PCNT c.3291_3292dupGA variant is predicted to result in a frameshift and premature protein termination (p.Lys1098Argfs*9). To our knowledge, this variant has not been reported in the literature. This variant is reported in 0.00088% of alleles in individuals of European (Non-Finnish) descent in gnomAD. Frameshift variants in PCNT are expected to be pathogenic. This variant is interpreted as pathogenic.